The following is an entry in ClinVar:

NM_001201543.2(FAM161A):c.1651A>T (p.Arg551Ter)

Gene: FAM161A (FAM161 centrosomal protein A; minus strand). Cytogenetic location: 2p15.
Variant type: single nucleotide variant.
Coding change: c.1651A>T on transcript NM_001201543.2 (MANE Select); coding-DNA position 1651, A replaced by T.
Protein change: p.Arg551Ter; replaces arginine 551 with a stop codon.
Molecular consequence: nonsense. On other transcripts: intron variant (1).
Genome position (GRCh38, 1-based): chr2:61,838,638, T>A on the plus strand (A>T on the coding strand, the complement: FAM161A is on the minus strand). VCF-style: chr2-61838638-T-A. GRCh37 (hg19) VCF-style: chr2-62065773-T-A.
Other names: c.1651A>T (NM_001201543.1); c.1583+783A>T (NM_032180.3); short protein forms R551*.
Identifiers: ClinVar variation 2675370 (VCV002675370.4), dbSNP rs1181648787, ClinGen allele CA346986064.

ClinVar aggregate classification (germline): Likely pathogenic. Review status: criteria provided, multiple submitters, no conflicts (2 of 4 stars). 3 submissions from 3 submitters: Likely pathogenic (3). Last evaluated 2026-06-20.

Conditions:
Retinitis pigmentosa 28 (RP28). Identifiers: Orphanet 791, MedGen C1419614, MONDO:0011630, OMIM 606068.
FAM161A-related disorder. Also called: FAM161A-related condition.

Allele frequency attached by ClinVar (database versions not stated): TOPMed below 0.00001.
gnomAD v4.1: 8 of 1,612,046 alleles (0.0005%); highest among the groups gnomAD compares: Non-Finnish European, 0.00068%; no homozygotes.

Submissions (3):

PreventionGenetics, part of Exact Sciences
Classification: Likely pathogenic for FAM161A-related condition. Last evaluated: 2026-06-20. Review status: criteria provided, single submitter. Criteria: ACMG Guidelines, 2015. Collection method: clinical testing. Allele origin: germline.
Comment: The FAM161A c.1651A>T variant is predicted to result in premature protein termination (p.Arg551*). To our knowledge, this variant has not been reported in the literature in individuals with disease. This variant is present in 0.00093% of alleles in individuals of European (Non-Finnish) descent in gnomAD, and has been reported in a carrier screen of the general population (Hanany et al. 2020. PubMed ID: 31964843). Nonsense variants in FAM161A are an established mechanism of disease. This variant is interpreted as likely pathogenic.

Natera, Inc.
Classification: Likely pathogenic for Retinitis pigmentosa type 28. Last evaluated: 2025-10-23. Review status: criteria provided, single submitter. Criteria: Natera Variant Classification Schema (03/2026). Collection method: clinical testing. Allele origin: germline.
Comment: The c.1651A>T variant in FAM161A is a nonsense variant predicted to introduce a stop codon at amino acid 551. This variant is expected to result in nonsense mediated decay, truncation, or a dysfunctional protein product. This variant is rare in the general population with a frequency below the threshold expected for the associated phenotype(s). Given the available evidence, this variant is classified as Likely Pathogenic.

Baylor Genetics
Classification: Likely pathogenic for Retinitis pigmentosa 28. Last evaluated: 2024-03-12. Review status: criteria provided, single submitter. Criteria: ACMG Guidelines, 2015. Collection method: clinical testing. Allele origin: unknown.